The following is an entry in ClinVar:

NM_020347.4(LZTFL1):c.420A>G (p.Pro140=)

Gene: LZTFL1 (leucine zipper transcription factor like 1; minus strand). Cytogenetic location: 3p21.31.
Variant type: single nucleotide variant.
Coding change: c.420A>G on transcript NM_020347.4 (MANE Select); coding-DNA position 420, A replaced by G.
Protein change: p.Pro140=; no amino-acid change (proline 140 retained).
Molecular consequence: synonymous variant. On other transcripts: non-coding transcript variant (1).
Genome position (GRCh38, 1-based): chr3:45,833,086, T>C on the plus strand (A>G on the coding strand, the complement: LZTFL1 is on the minus strand). VCF-style: chr3-45833086-T-C. GRCh37 (hg19) VCF-style: chr3-45874578-T-C.
Other names: c.369A>G, p.Pro123= (NM_001276378.2, NM_001386451.1); c.408A>G, p.Pro136= (NM_001276379.2); c.420A>G, p.Pro140= (NM_001386452.1).
Identifiers: ClinVar variation 741647 (VCV000741647.10), dbSNP rs762779823, ClinGen allele CA2351937.

ClinVar aggregate classification (germline): Likely benign. Review status: criteria provided, multiple submitters, no conflicts (2 of 4 stars). 3 submissions from 3 submitters: Likely benign (2). 1 of the submissions does not count toward it. Last evaluated 2025-07-21.

Conditions:
LZTFL1-related disorder. Also called: LZTFL1-related condition.

Allele frequency attached by ClinVar (database versions not stated): gnomAD 0.00001; TOPMed 0.00001; gnomAD exomes 0.00002 and 0.00004; ExAC 0.00005.
gnomAD v4.1: 13 of 1,613,804 alleles (0.00081%); highest among the groups gnomAD compares: Admixed American, 0.018%; no homozygotes.

Submissions (3):

Labcorp Genetics (formerly Invitae), Labcorp
Classification: Likely benign. Last evaluated: 2025-07-21. Review status: criteria provided, single submitter. Criteria: Invitae Variant Classification Sherloc (09022015). Collection method: clinical testing. Allele origin: germline.

Blueprint Genetics
Classification: Likely benign. Last evaluated: 2022-10-18. Review status: criteria provided, single submitter. Criteria: ACMG Guidelines, 2015. Collection method: clinical testing. Allele origin: germline.

PreventionGenetics, part of Exact Sciences
Classification: Likely benign for LZTFL1-related condition. Last evaluated: 2022-01-31. Review status: no assertion criteria provided. Collection method: clinical testing. Allele origin: germline. Not counted in ClinVar's aggregate classification.
Comment: This variant is classified as likely benign based on ACMG/AMP sequence variant interpretation guidelines (Richards et al. 2015 PMID: 25741868, with internal and published modifications).